The following is an entry in ClinVar:

ClinVar aggregate classification (germline): Uncertain significance (1 of 4 stars; one submission).

Submission:

Ambry Genetics
Classification: Uncertain significance. Last evaluated: 2023-01-23. Review status: criteria provided, single submitter. Criteria: Ambry Variant Classification Scheme 2023. Collection method: clinical testing. Allele origin: germline.
Comment: The p.M1354I variant (also known as c.4062G>T), located in coding exon 16 of the POLQ gene, results from a G to T substitution at nucleotide position 4062. The methionine at codon 1354 is replaced by isoleucine, an amino acid with highly similar properties. This amino acid position is conserved. In addition, this alteration is predicted to be tolerated by in silico analysis. Since supporting evidence is limited at this time, the clinical significance of this alteration remains unclear.

NM_199420.4(POLQ):c.4062G>T (p.Met1354Ile)

Gene: POLQ (DNA polymerase theta; minus strand). Cytogenetic location: 3q13.33.
Variant type: single nucleotide variant.
Coding change: c.4062G>T on transcript NM_199420.4 (MANE Select); coding-DNA position 4062, G replaced by T.
Protein change: p.Met1354Ile; replaces methionine 1354 with isoleucine.
Molecular consequence: missense variant.
Genome position (GRCh38, 1-based): chr3:121,488,869, C>A on the plus strand (G>T on the coding strand, the complement: POLQ is on the minus strand). VCF-style: chr3-121488869-C-A. GRCh37 (hg19) VCF-style: chr3-121207716-C-A.
Other names: short protein forms M1354I.
Identifiers: ClinVar variation 2497204 (VCV002497204.2), dbSNP rs2108798263, ClinGen allele CA354096319.